The following is an entry in ClinVar:

NM_014339.7(IL17RA):c.2198C>G (p.Pro733Arg)

Gene: IL17RA (interleukin 17 receptor A; plus strand). Cytogenetic location: 22q11.1.
Variant type: single nucleotide variant.
Coding change: c.2198C>G on transcript NM_014339.7 (MANE Select); coding-DNA position 2198, C replaced by G.
Protein change: p.Pro733Arg; replaces proline 733 with arginine.
Molecular consequence: missense variant.
Genome position (GRCh38, 1-based): chr22:17,109,417, C>G. VCF-style: chr22-17109417-C-G. GRCh37 (hg19) VCF-style: chr22-17590307-C-G.
Other names: c.2198C>G (NM_014339.5); c.2096C>G, p.Pro699Arg (NM_001289905.2); short protein forms P733R, P699R.
Identifiers: ClinVar variation 542913 (VCV000542913.8), dbSNP rs41358047, ClinGen allele CA10086933.

ClinVar aggregate classification (germline): Uncertain significance. Review status: criteria provided, multiple submitters, no conflicts (2 of 4 stars). 2 submissions from 2 submitters: Uncertain significance (2). Last evaluated 2024-08-01.

Conditions:
Immunodeficiency 51 (IMD51). Also called: CANDIDIASIS, FAMILIAL, 5. Identifiers: Orphanet 1334, MedGen C4310803, MONDO:0013500, OMIM 613953.

Allele frequency attached by ClinVar (database versions not stated): gnomAD exomes 0.00003 and 0.00007; ExAC 0.00010; gnomAD 0.00035 and 0.00036; ESP Exome Variant Server 0.00038; TOPMed 0.00040.
gnomAD v4.1: 97 of 1,613,190 alleles (0.006%); highest among the groups gnomAD compares: African/African-American, 0.11%; no homozygotes.

Submissions (2):

Ambry Genetics
Classification: Uncertain significance. Last evaluated: 2024-08-01. Review status: criteria provided, single submitter. Criteria: Ambry Variant Classification Scheme 2023. Collection method: clinical testing. Allele origin: germline.

Labcorp Genetics (formerly Invitae), Labcorp
Classification: Uncertain significance for Immunodeficiency 51. Last evaluated: 2022-09-19. Review status: criteria provided, single submitter. Criteria: Invitae Variant Classification Sherloc (09022015). Collection method: clinical testing. Allele origin: germline.
Comment: This sequence change replaces proline, which is neutral and non-polar, with arginine, which is basic and polar, at codon 733 of the IL17RA protein (p.Pro733Arg). This variant is present in population databases (rs41358047, gnomAD 0.1%). This variant has not been reported in the literature in individuals affected with IL17RA-related conditions. ClinVar contains an entry for this variant (Variation ID: 542913). Advanced modeling of protein sequence and biophysical properties (such as structural, functional, and spatial information, amino acid conservation, physicochemical variation, residue mobility, and thermodynamic stability) performed at Invitae indicates that this missense variant is expected to disrupt IL17RA protein function. In summary, the available evidence is currently insufficient to determine the role of this variant in disease. Therefore, it has been classified as a Variant of Uncertain Significance.